The following is an entry in ClinVar:

NM_198253.3(TERT):c.923dup (p.Ser309fs)

Gene: TERT (telomerase reverse transcriptase; minus strand). Cytogenetic location: 5p15.33.
Variant type: Duplication.
Coding change: c.923dup on transcript NM_198253.3 (MANE Select); coding-DNA position 923, one base duplicated (C; older notation c.923dupC).
Protein change: p.Ser309fs; shifts the reading frame from serine 309.
Molecular consequence: frameshift variant. On other transcripts: non-coding transcript variant (2).
Genome position (GRCh38, 1-based): chr5:1,293,963, G duplicated on the plus strand (C on the coding strand, the reverse complement: TERT is on the minus strand); the first of 6 consecutive G bases (chr5:1,293,963-1,293,968); duplicating any one gives the same sequence. VCF-style (leftmost placement, unchanged base first): chr5-1293962-T-TG. GRCh37 (hg19) VCF-style: chr5-1294077-T-TG.
Other names: c.923dup, p.Ser309fs (NM_001193376.3); short protein forms S309fs.
Identifiers: ClinVar variation 1357479 (VCV001357479.6), dbSNP rs1191885727, ClinGen allele CA557858658.

ClinVar aggregate classification (germline): Pathogenic (1 of 4 stars; one submission).

Conditions:
Idiopathic Pulmonary Fibrosis. Also called: Idiopathic fibrosing alveolitis, chronic form; idiopathic fibrosing alveolitis. Identifiers: Orphanet 2032, MedGen C1800706, MeSH D054990, MONDO:0800504.
Dyskeratosis congenita, autosomal dominant 2. Identifiers: MedGen C3151443, MONDO:0013521, OMIM 613989.

Submission:

Labcorp Genetics (formerly Invitae), Labcorp
Classification: Pathogenic for Dyskeratosis congenita, autosomal dominant 2; Idiopathic Pulmonary Fibrosis. Last evaluated: 2020-11-03. Review status: criteria provided, single submitter. Criteria: Invitae Variant Classification Sherloc (09022015). Collection method: clinical testing. Allele origin: germline.
Comment: For these reasons, this variant has been classified as Pathogenic. This variant has not been reported in the literature in individuals with TERT-related conditions. This variant is not present in population databases (ExAC no frequency). This sequence change creates a premature translational stop signal (p.Ser309Ilefs*230) in the TERT gene. It is expected to result in an absent or disrupted protein product. Loss-of-function variants in TERT are known to be pathogenic (PMID: 16247010, 17460043).

Literature cited by the submitters: PubMed 16247010; PubMed 17460043.